The following is an entry in ClinVar:

ClinVar aggregate classification (germline): Uncertain significance (1 of 4 stars; one submission).

Conditions:
Intellectual developmental disorder 61. Also called: INTELLECTUAL DEVELOPMENTAL DISORDER, AUTOSOMAL DOMINANT 61; MENTAL RETARDATION, AUTOSOMAL DOMINANT 61. Identifiers: MedGen C5231400, MONDO:0032485, OMIM 618009.

Submission:

OLLIN Analises Genomicas, OLLIN
Classification: Uncertain significance for Intellectual developmental disorder 61. Last evaluated: 2026-08-06. Review status: criteria provided, single submitter. Criteria: ACMG Guidelines 2015 PMID 25741868. Collection method: clinical testing. Allele origin: germline. Inheritance: Autosomal dominant inheritance.
Comment: This variant is absent from gnomAD and ClinVar and has not been found in the scientific literature. According to the currently available evidence, this variant has been classified as uncertain significance (PM2_P, BP4).

NM_005121.3(MED13):c.5624-8A>T

Gene: MED13 (mediator complex subunit 13; minus strand). Cytogenetic location: 17q23.2.
Variant type: single nucleotide variant.
Coding change: c.5624-8A>T on transcript NM_005121.3 (MANE Select); 8 bases into the intron before coding-DNA position 5624, A replaced by T.
Molecular consequence: intron variant.
Genome position (GRCh38, 1-based): chr17:61,955,846, T>A on the plus strand (A>T on the coding strand, the complement: MED13 is on the minus strand). VCF-style: chr17-61955846-T-A. GRCh37 (hg19) VCF-style: chr17-60033207-T-A.
Identifiers: ClinVar variation 5002758 (VCV005002758.1).